The following is an entry in ClinVar:

ClinVar aggregate classification (germline): Likely benign (1 of 4 stars; one submission).

gnomAD v4.1: 2,510 of 1,609,924 alleles (0.16%); highest among the groups gnomAD compares: Non-Finnish European, 0.19%; 2 homozygotes.

Submission:

CeGaT Center for Human Genetics Tuebingen
Classification: Likely benign. Last evaluated: 2026-08-01. Review status: criteria provided, single submitter. Criteria: CeGaT Center For Human Genetics Tuebingen Variant Classification Criteria Version 2. Collection method: clinical testing. Allele origin: germline. Affected: yes. Observed: 3 variant alleles.
Comment: ATP6V0A1: BP4, BP7

NM_001130021.3(ATP6V0A1):c.2391G>A (p.Ser797=)

Gene: ATP6V0A1 (ATPase H+ transporting V0 subunit a1; plus strand). Cytogenetic location: 17q21.2.
Variant type: single nucleotide variant.
Coding change: c.2391G>A on transcript NM_001130021.3 (MANE Select); coding-DNA position 2391, G replaced by A.
Protein change: p.Ser797=; no amino-acid change (serine 797 retained).
Molecular consequence: synonymous variant. On other transcripts: intron variant (7).
Genome position (GRCh38, 1-based): chr17:42,514,431, G>A. VCF-style: chr17-42514431-G-A. GRCh37 (hg19) VCF-style: chr17-40666449-G-A.
Other names: c.2394G>A, p.Ser798= (NM_001130020.3); c.2412G>A, p.Ser804= (NM_001378522.1); c.2286G>A, p.Ser762= (NM_001378523.1); c.2589G>A, p.Ser863= (NM_001378530.1); c.2535G>A, p.Ser845= (NM_001378531.1); c.2517G>A, p.Ser839= (NM_001378532.1); c.2514G>A, p.Ser838= (NM_001378533.1); c.2487G>A, p.Ser829= (NM_001378534.1); and 20 more.
Identifiers: ClinVar variation 4820926 (VCV004820926.4).